The following is an entry in ClinVar:

NM_007294.4(BRCA1):c.164A>C (p.Lys55Thr)

Gene: BRCA1 (BRCA1 DNA repair associated; minus strand). Cytogenetic location: 17q21.31.
Variant type: single nucleotide variant.
Coding change: c.164A>C on transcript NM_007294.4 (MANE Select); coding-DNA position 164, A replaced by C.
Protein change: p.Lys55Thr; replaces lysine 55 with threonine.
Molecular consequence: missense variant. On other transcripts: non-coding transcript variant (1).
Genome position (GRCh38, 1-based): chr17:43,106,504, T>G on the plus strand (A>C on the coding strand, the complement: BRCA1 is on the minus strand). VCF-style: chr17-43106504-T-G. GRCh37 (hg19) VCF-style: chr17-41258521-T-G.
Other names: c.-25A>C (NM_001407571.1, NM_001407853.1, NM_001407879.1 and 58 more transcripts); c.164A>C, p.Lys55Thr (NM_001407581.1, NM_001407582.1, NM_001407583.1 and 168 more transcripts); c.23A>C, p.Lys8Thr (NM_001407692.1, NM_001407694.1, NM_001407695.1 and 99 more transcripts); short protein forms K55T, K8T.
Identifiers: ClinVar variation 865218 (VCV000865218.3), dbSNP rs2054786724, ClinGen allele CA10601829.

Conditions:
Breast-ovarian cancer, familial, susceptibility to, 1 (BROVCA1). Also called: BRCA1 Hereditary Breast and Ovarian Cancer; OVARIAN CANCER, SUSCEPTIBILITY TO. Identifiers: Orphanet 145, MedGen C2676676, MONDO:0011450, OMIM 604370. Disease mechanism: loss of function.

Submission:

Brotman Baty Institute, University of Washington
No classification provided (evidence only). Condition: Breast-ovarian cancer, familial 1. Review status: no classification provided. Collection method: in vitro. Allele origin: not applicable. Functional consequence: functionally_normal.
ClinVar note: "not provided" was previously submitted as the classification for the variant. However, the classification appeared to be based only on an observation of functional data so it was converted to no classification on 2025-07-30.